The following is an entry in ClinVar:

NM_000136.3(FANCC):c.439C>T (p.Pro147Ser)

Gene: FANCC (FA complementation group C; minus strand). Cytogenetic location: 9q22.32.
Variant type: single nucleotide variant.
Coding change: c.439C>T on transcript NM_000136.3 (MANE Select); coding-DNA position 439, C replaced by T.
Protein change: p.Pro147Ser; replaces proline 147 with serine.
Molecular consequence: missense variant.
Genome position (GRCh38, 1-based): chr9:95,172,054, G>A on the plus strand (C>T on the coding strand, the complement: FANCC is on the minus strand). VCF-style: chr9-95172054-G-A. GRCh37 (hg19) VCF-style: chr9-97934336-G-A.
Other names: c.439C>T, p.Pro147Ser (NM_001243743.2, NM_001243744.2); short protein forms P147S.
Identifiers: ClinVar variation 1740281 (VCV001740281.4), dbSNP rs1564720334, ClinGen allele CA374338728.

ClinVar aggregate classification (germline): Uncertain significance. Review status: criteria provided, single submitter (1 of 4 stars). 2 submissions from 2 submitters: Uncertain significance (1). 1 of the submissions does not count toward it. Last evaluated 2025-09-28.

Conditions:
Hereditary cancer-predisposing syndrome. Also called: Hereditary Cancer Syndrome; Hereditary neoplastic syndrome; Neoplastic Syndromes, Hereditary; Tumor predisposition. Identifiers: Orphanet 140162, MedGen C0027672, MeSH D009386, MONDO:0015356.
Fanconi anemia (FA). Also called: Fanconi's anemia. Identifiers: Orphanet 84, MedGen C0015625, MeSH D005199, MONDO:0019391.

gnomAD v4.1: 7 of 1,606,492 alleles (0.00044%); highest among the groups gnomAD compares: Non-Finnish European, 0.0006%; no homozygotes.

Submissions (2):

Ambry Genetics
Classification: Uncertain significance for Hereditary cancer-predisposing syndrome. Last evaluated: 2025-09-28. Review status: criteria provided, single submitter. Criteria: Ambry Variant Classification Scheme 2023. Collection method: clinical testing. Allele origin: germline.
Comment: The p.P147S variant (also known as c.439C>T), located in coding exon 4 of the FANCC gene, results from a C to T substitution at nucleotide position 439. The proline at codon 147 is replaced by serine, an amino acid with similar properties. This amino acid position is conserved. In addition, this alteration is predicted to be tolerated by in silico analysis. Since supporting evidence is limited at this time, the clinical significance of this alteration remains unclear.

Natera, Inc.
Classification: Uncertain significance for Fanconi anemia. Last evaluated: 2025-03-06. Review status: no assertion criteria provided. Collection method: clinical testing. Allele origin: germline. Not counted in ClinVar's aggregate classification.